The following is an entry in ClinVar:

NM_172240.3(POC1B):c.809C>T (p.Thr270Met)

Genes: POC1B (POC1 centriolar protein B; minus strand), POC1B-DUSP6 (POC1B-DUSP6 readthrough; minus strand). Cytogenetic location: 12q21.33.
Variant type: single nucleotide variant.
Coding change: c.809C>T on transcript NM_172240.3 (MANE Select); coding-DNA position 809, C replaced by T.
Protein change: p.Thr270Met; replaces threonine 270 with methionine.
Molecular consequence: missense variant. On other transcripts: non-coding transcript variant (2).
Genome position (GRCh38, 1-based): chr12:89,470,362, G>A on the plus strand (C>T on the coding strand, the complement: POC1B is on the minus strand). VCF-style: chr12-89470362-G-A. GRCh37 (hg19) VCF-style: chr12-89864139-G-A.
Other names: c.683C>T, p.Thr228Met (NM_001199777.2); short protein forms T270M, T228M.
Identifiers: ClinVar variation 738353 (VCV000738353.14), dbSNP rs35118127, ClinGen allele CA6714403.

ClinVar aggregate classification (germline): Likely benign. Review status: criteria provided, multiple submitters, no conflicts (2 of 4 stars). 3 submissions from 3 submitters: Likely benign (2). 1 of the submissions does not count toward it. Last evaluated 2026-01-18.

Conditions:
POC1B-related disorder. Also called: POC1B-related condition.

Allele frequency attached by ClinVar (database versions not stated): gnomAD exomes 0.00019 and 0.00028; ExAC 0.00039; ESP Exome Variant Server 0.00046; gnomAD 0.00058 and 0.00060; TOPMed 0.00068; 1000 Genomes Project 30x 0.00078; 1000 Genomes Project 0.00080.
gnomAD v4.1: 343 of 1,456,092 alleles (0.024%); highest among the groups gnomAD compares: African/African-American, 0.2%; no homozygotes.

Submissions (3):

Labcorp Genetics (formerly Invitae), Labcorp
Classification: Likely benign. Last evaluated: 2026-01-18. Review status: criteria provided, single submitter. Criteria: Invitae Variant Classification Sherloc (09022015). Collection method: clinical testing. Allele origin: germline.

Blueprint Genetics
Classification: Likely benign. Last evaluated: 2024-10-24. Review status: criteria provided, single submitter. Criteria: ACMG Guidelines, 2015. Collection method: clinical testing. Allele origin: germline.

PreventionGenetics, part of Exact Sciences
Classification: Likely benign for POC1B-related condition. Last evaluated: 2023-01-10. Review status: no assertion criteria provided. Collection method: clinical testing. Allele origin: germline. Not counted in ClinVar's aggregate classification.
Comment: This variant is classified as likely benign based on ACMG/AMP sequence variant interpretation guidelines (Richards et al. 2015 PMID: 25741868, with internal and published modifications).